The following is an entry in ClinVar:

ClinVar aggregate classification (germline): Conflicting classifications of pathogenicity. Review status: criteria provided, conflicting classifications (1 of 4 stars). 5 submissions from 5 submitters: Uncertain significance (3); Benign (1); Likely benign (1). Last evaluated 2024-09-30.

Conditions:
Isolated focal cortical dysplasia type II (FCORD2). Also called: CORTICAL DYSPLASIA OF TAYLOR; Focal cortical dysplasia type II. Identifiers: Orphanet 268994, MedGen C1846385, MONDO:0011818, OMIM 607341, HP:0032051.
Hereditary cancer-predisposing syndrome. Also called: Neoplastic Syndromes, Hereditary; Hereditary Cancer Syndrome; Tumor predisposition; Hereditary neoplastic syndrome. Identifiers: Orphanet 140162, MedGen C0027672, MeSH D009386, MONDO:0015356.
Tuberous sclerosis 2 (TSC2). Identifiers: Orphanet 805, MedGen C1860707, MONDO:0013199, OMIM 613254.

Allele frequency attached by ClinVar (database versions not stated): gnomAD exomes below 0.00001; TOPMed below 0.00001; ExAC 0.00001; gnomAD 0.00001.

Submissions (5):

Labcorp Genetics (formerly Invitae), Labcorp
Classification: Benign for Tuberous sclerosis 2. Last evaluated: 2024-09-30. Review status: criteria provided, single submitter. Criteria: Invitae Variant Classification Sherloc (09022015). Collection method: clinical testing. Allele origin: germline.

Baylor Genetics
Classification: Uncertain significance for Isolated focal cortical dysplasia type II. Last evaluated: 2024-03-24. Review status: criteria provided, single submitter. Criteria: ACMG Guidelines, 2015. Collection method: clinical testing. Allele origin: unknown.

Ambry Genetics
Classification: Uncertain significance for Hereditary cancer-predisposing syndrome. Last evaluated: 2024-02-23. Review status: criteria provided, single submitter. Criteria: Ambry Variant Classification Scheme 2023. Collection method: clinical testing. Allele origin: germline.
Comment: The p.H763Y variant (also known as c.2287C>T), located in coding exon 20 of the TSC2 gene, results from a C to T substitution at nucleotide position 2287. The histidine at codon 763 is replaced by tyrosine, an amino acid with similar properties. This amino acid position is not well conserved in available vertebrate species. In addition, this alteration is predicted to be deleterious by in silico analysis. Since supporting evidence is limited at this time, the clinical significance of this alteration remains unclear.

GeneDx
Classification: Uncertain significance. Last evaluated: 2023-03-15. Review status: criteria provided, single submitter. Criteria: GeneDx Variant Classification Process June 2021. Collection method: clinical testing. Allele origin: germline. Affected: yes.
Comment: In silico analysis supports that this missense variant has a deleterious effect on protein structure/function; Has not been previously published as pathogenic or benign to our knowledge

Genome-Nilou Lab
Classification: Likely benign for Tuberous sclerosis 2. Last evaluated: 2021-11-07. Review status: criteria provided, single submitter. Criteria: ACMG Guidelines, 2015. Collection method: clinical testing. Allele origin: germline. Affected: no.

NM_000548.5(TSC2):c.2287C>T (p.His763Tyr)

Gene: TSC2 (TSC complex subunit 2; plus strand). Cytogenetic location: 16p13.3.
Variant type: single nucleotide variant.
Coding change: c.2287C>T on transcript NM_000548.5 (MANE Select); coding-DNA position 2287, C replaced by T.
Protein change: p.His763Tyr; replaces histidine 763 with tyrosine.
Molecular consequence: missense variant.
Genome position (GRCh38, 1-based): chr16:2,072,915, C>T. VCF-style: chr16-2072915-C-T. GRCh37 (hg19) VCF-style: chr16-2122916-C-T.
Other names: p.H763Y:CAC>TAC; c.2287C>T, p.His763Tyr (NM_001077183.3, NM_001114382.3, NM_001363528.2 and 3 more transcripts); c.2176C>T, p.His726Tyr (NM_001318827.2); c.2140C>T, p.His714Tyr (NM_001318829.2); c.1687C>T, p.His563Tyr (NM_001318831.2); c.2320C>T, p.His774Tyr (NM_001318832.2); short protein forms H763Y, H563Y, H726Y, H774Y, H714Y.
Identifiers: ClinVar variation 207669 (VCV000207669.14), dbSNP rs758234726, ClinGen allele CA038145.